The following is an entry in ClinVar:

NM_017826.3(SOHLH2):c.1005A>G (p.Pro335=)

Genes: CCDC169-SOHLH2 (CCDC169-SOHLH2 readthrough; minus strand), SOHLH2 (spermatogenesis and oogenesis specific basic helix-loop-helix 2; minus strand). Cytogenetic location: 13q13.3.
Variant type: single nucleotide variant.
Coding change: c.1005A>G on transcript NM_017826.3 (MANE Select); coding-DNA position 1005, A replaced by G.
Protein change: p.Pro335=; no amino-acid change (proline 335 retained).
Molecular consequence: synonymous variant.
Genome position (GRCh38, 1-based): chr13:36,170,783, T>C on the plus strand (A>G on the coding strand, the complement: SOHLH2 is on the minus strand). VCF-style: chr13-36170783-T-C. GRCh37 (hg19) VCF-style: chr13-36744920-T-C.
Other names: c.1236A>G, p.Pro412= (NM_001198910.2).
Identifiers: ClinVar variation 3039034 (VCV003039034.2), dbSNP rs76803829, ClinGen allele CA6948766.

ClinVar aggregate classification (germline): Likely benign (0 of 4 stars; one submission).

Conditions:
SOHLH2-related disorder. Also called: SOHLH2-related condition.

Allele frequency attached by ClinVar (database versions not stated): gnomAD exomes 0.00120; ExAC 0.00279; 1000 Genomes Project 30x 0.00656; 1000 Genomes Project 0.00659; gnomAD 0.00804; ESP Exome Variant Server 0.00807; TOPMed 0.00899.
gnomAD v4.1: 3,090 of 1,611,762 alleles (0.19%); highest among the groups gnomAD compares: African/African-American, 2.4%; 20 homozygotes.

Submission:

PreventionGenetics, part of Exact Sciences
Classification: Likely benign for SOHLH2-related condition. Last evaluated: 2019-03-01. Review status: no assertion criteria provided. Collection method: clinical testing. Allele origin: germline.
Comment: This variant is classified as likely benign based on ACMG/AMP sequence variant interpretation guidelines (Richards et al. 2015 PMID: 25741868, with internal and published modifications).